The following is an entry in ClinVar:

ClinVar aggregate classification (germline): Uncertain significance (1 of 4 stars; one submission).

gnomAD v4.1: 2 of 1,601,060 alleles (0.00012%); highest among the groups gnomAD compares: Non-Finnish European, 0.00017%; no homozygotes.

Submission:

GeneDx
Classification: Uncertain significance. Last evaluated: 2024-07-11. Review status: criteria provided, single submitter. Criteria: GeneDx Variant Classification Process June 2021. Collection method: clinical testing. Allele origin: germline. Affected: yes.
Comment: Not observed at significant frequency in large population cohorts (gnomAD); In silico analysis supports that this missense variant has a deleterious effect on protein structure/function; Has not been previously published as pathogenic or benign to our knowledge; In silico analysis suggests this variant may impact gene splicing. In the absence of RNA/functional studies, the actual effect of this sequence change is unknown.

NM_032217.5(ANKRD17):c.1865A>G (p.Asp622Gly)

Gene: ANKRD17 (ankyrin repeat domain 17; minus strand). Cytogenetic location: 4q13.3.
Variant type: single nucleotide variant.
Coding change: c.1865A>G on transcript NM_032217.5 (MANE Select); coding-DNA position 1865, A replaced by G.
Protein change: p.Asp622Gly; replaces aspartic acid 622 with glycine.
Molecular consequence: missense variant.
Genome position (GRCh38, 1-based): chr4:73,146,768, T>C on the plus strand (A>G on the coding strand, the complement: ANKRD17 is on the minus strand). VCF-style: chr4-73146768-T-C. GRCh37 (hg19) VCF-style: chr4-74012485-T-C.
Other names: c.1526A>G, p.Asp509Gly (NM_001286771.3); c.1865A>G, p.Asp622Gly (NM_015574.2, NM_198889.3); short protein forms D509G, D622G.
Identifiers: ClinVar variation 3572662 (VCV003572662.1).